The following is an entry in ClinVar:

ClinVar aggregate classification (germline): Uncertain significance (1 of 4 stars; one submission).

Submission:

Labcorp Genetics (formerly Invitae), Labcorp
Classification: Uncertain significance. Last evaluated: 2023-02-14. Review status: criteria provided, single submitter. Criteria: Invitae Variant Classification Sherloc (09022015). Collection method: clinical testing. Allele origin: germline.
Comment: In summary, the available evidence is currently insufficient to determine the role of this variant in disease. Therefore, it has been classified as a Variant of Uncertain Significance. Advanced modeling of protein sequence and biophysical properties (such as structural, functional, and spatial information, amino acid conservation, physicochemical variation, residue mobility, and thermodynamic stability) performed at Invitae indicates that this missense variant is not expected to disrupt SETBP1 protein function. This variant has not been reported in the literature in individuals affected with SETBP1-related conditions. This variant is not present in population databases (gnomAD no frequency). This sequence change replaces serine, which is neutral and polar, with proline, which is neutral and non-polar, at codon 1384 of the SETBP1 protein (p.Ser1384Pro).

NM_015559.3(SETBP1):c.4150T>C (p.Ser1384Pro)

Gene: SETBP1 (SET binding protein 1; plus strand). Cytogenetic location: 18q12.3.
Variant type: single nucleotide variant.
Coding change: c.4150T>C on transcript NM_015559.3 (MANE Select); coding-DNA position 4150, T replaced by C.
Protein change: p.Ser1384Pro; replaces serine 1384 with proline.
Molecular consequence: missense variant. On other transcripts: intron variant (1).
Genome position (GRCh38, 1-based): chr18:45,038,634, T>C. VCF-style: chr18-45038634-T-C. GRCh37 (hg19) VCF-style: chr18-42618599-T-C.
Other names: c.4150T>C, p.Ser1384Pro (NM_001379141.1, NM_001379142.1); c.4001-24445T>C (NM_001410862.1); short protein forms S1384P.
Identifiers: ClinVar variation 2815587 (VCV002815587.3), dbSNP rs2511320360, ClinGen allele CA402482623.